The following is an entry in ClinVar:

NM_000548.5(TSC2):c.3586G>T (p.Glu1196Ter)

Gene: TSC2 (TSC complex subunit 2; plus strand). Cytogenetic location: 16p13.3.
Variant type: single nucleotide variant.
Coding change: c.3586G>T on transcript NM_000548.5 (MANE Select); coding-DNA position 3586, G replaced by T.
Protein change: p.Glu1196Ter; replaces glutamic acid 1196 with a stop codon.
Molecular consequence: nonsense.
Genome position (GRCh38, 1-based): chr16:2,080,353, G>T. VCF-style: chr16-2080353-G-T. GRCh37 (hg19) VCF-style: chr16-2130354-G-T.
Other names: c.3454G>T, p.Glu1152Ter (NM_001077183.3, NM_001370404.1); c.3586G>T, p.Glu1196Ter (NM_001114382.3); c.3346G>T, p.Glu1116Ter (NM_001318827.2); c.3310G>T, p.Glu1104Ter (NM_001318829.2); c.2854G>T, p.Glu952Ter (NM_001318831.2); c.3487G>T, p.Glu1163Ter (NM_001318832.2); c.3457G>T, p.Glu1153Ter (NM_001363528.2, NM_001370405.1, NM_021055.3); short protein forms E1196*, E1153*, E952*, E1152*, E1163*, E1104*, E1116*.
Identifiers: ClinVar variation 535875 (VCV000535875.6), dbSNP rs1555511585, ClinGen allele CA394289668.

ClinVar aggregate classification (germline): Pathogenic (1 of 4 stars; one submission).

Conditions:
Tuberous sclerosis 2 (TSC2). Identifiers: Orphanet 805, MedGen C1860707, MONDO:0013199, OMIM 613254.

Submission:

Labcorp Genetics (formerly Invitae), Labcorp
Classification: Pathogenic for Tuberous sclerosis 2. Last evaluated: 2017-11-19. Review status: criteria provided, single submitter. Criteria: Invitae Variant Classification Sherloc (09022015). Collection method: clinical testing. Allele origin: germline.
Comment: For these reasons, this variant has been classified as Pathogenic. Loss-of-function variants in TSC2 are known to be pathogenic (PMID: 10205261, 17304050). This variant has not been reported in the literature in individuals with TSC2-related disease. This variant is not present in population databases (ExAC no frequency). This sequence change creates a premature translational stop signal (p.Glu1196*) in the TSC2 gene. It is expected to result in an absent or disrupted protein product.

Literature cited by the submitters: PubMed 10205261; PubMed 17304050.